The following is an entry in ClinVar:

ClinVar aggregate classification (germline): Uncertain significance. Review status: criteria provided, multiple submitters, no conflicts (2 of 4 stars). 2 submissions from 2 submitters: Uncertain significance (2). Last evaluated 2024-12-13.

Allele frequency attached by ClinVar (database versions not stated): ExAC 0.00002; gnomAD 0.00001; gnomAD exomes 0.00003; ESP Exome Variant Server 0.00015; TOPMed 0.00001.
gnomAD v4.1: 42 of 1,610,802 alleles (0.0026%); highest among the groups gnomAD compares: Non-Finnish European, 0.0033%; no homozygotes.

Submissions (2):

Ambry Genetics
Classification: Uncertain significance. Last evaluated: 2024-12-13. Review status: criteria provided, single submitter. Criteria: Ambry Variant Classification Scheme 2023. Collection method: clinical testing. Allele origin: germline.

Labcorp Genetics (formerly Invitae), Labcorp
Classification: Uncertain significance. Last evaluated: 2022-07-06. Review status: criteria provided, single submitter. Criteria: Invitae Variant Classification Sherloc (09022015). Collection method: clinical testing. Allele origin: germline.
Comment: This sequence change replaces arginine, which is basic and polar, with serine, which is neutral and polar, at codon 290 of the CCDC88A protein (p.Arg290Ser). In summary, the available evidence is currently insufficient to determine the role of this variant in disease. Therefore, it has been classified as a Variant of Uncertain Significance. Algorithms developed to predict the effect of missense changes on protein structure and function are either unavailable or do not agree on the potential impact of this missense change (SIFT: "Deleterious"; PolyPhen-2: "Possibly Damaging"; Align-GVGD: "Class C0"). ClinVar contains an entry for this variant (Variation ID: 1449569). This variant has not been reported in the literature in individuals affected with CCDC88A-related conditions. This variant is present in population databases (rs146018211, gnomAD 0.005%).

NM_001365480.1(CCDC88A):c.870G>C (p.Arg290Ser)

Gene: CCDC88A (coiled-coil domain containing 88A; minus strand). Cytogenetic location: 2p16.1.
Variant type: single nucleotide variant.
Coding change: c.870G>C on transcript NM_001365480.1 (MANE Select); coding-DNA position 870, G replaced by C.
Protein change: p.Arg290Ser; replaces arginine 290 with serine.
Molecular consequence: missense variant.
Genome position (GRCh38, 1-based): chr2:55,349,530, C>G on the plus strand (G>C on the coding strand, the complement: CCDC88A is on the minus strand). VCF-style: chr2-55349530-C-G. GRCh37 (hg19) VCF-style: chr2-55576666-C-G.
Other names: c.870G>C, p.Arg290Ser (NM_001135597.2, NM_001254943.2, NM_018084.5); c.870G>C (NM_001135597.1); short protein forms R290S.
Identifiers: ClinVar variation 1449569 (VCV001449569.6), dbSNP rs146018211, ClinGen allele CA1666270.